The following is an entry in ClinVar:

ClinVar aggregate classification (germline): Benign/Likely benign. Review status: criteria provided, multiple submitters, no conflicts (2 of 4 stars). 8 submissions from 8 submitters: Benign (3); Likely benign (4). 1 of the submissions does not count toward it. Last evaluated 2026-01-21.

Conditions:
Inborn genetic diseases. Identifiers: MedGen C0950123, MeSH D030342.
Progressive myoclonic epilepsy type 7. Identifiers: Orphanet 435438, MedGen C4015420, MONDO:0014521, OMIM 616187.
KCNC1-related disorder. Also called: KCNC1-related condition; KCNC1-Related Disorders. Identifiers: MedGen CN381541.

Allele frequency attached by ClinVar (database versions not stated): gnomAD exomes 0.00031 and 0.00074; ExAC 0.00091; gnomAD 0.00272 and 0.00289; ESP Exome Variant Server 0.00277; TOPMed 0.00277; 1000 Genomes Project 0.00280; 1000 Genomes Project 30x 0.00375.
gnomAD v4.1: 890 of 1,614,176 alleles (0.055%); highest among the groups gnomAD compares: African/African-American, 0.95%; 5 homozygotes.

Submissions (8):

Labcorp Genetics (formerly Invitae), Labcorp
Classification: Benign for Progressive myoclonic epilepsy type 7. Last evaluated: 2026-01-21. Review status: criteria provided, single submitter. Criteria: Invitae Variant Classification Sherloc (09022015). Collection method: clinical testing. Allele origin: germline.

Blueprint Genetics
Classification: Likely benign. Last evaluated: 2024-11-12. Review status: criteria provided, single submitter. Criteria: ACMG Guidelines, 2015. Collection method: clinical testing. Allele origin: germline.

CeGaT Center for Human Genetics Tuebingen
Classification: Likely benign. Last evaluated: 2023-05-01. Review status: criteria provided, single submitter. Criteria: CeGaT Center For Human Genetics Tuebingen Variant Classification Criteria Version 2. Collection method: clinical testing. Allele origin: germline. Affected: yes. Observed: 1 variant allele.
Comment: KCNC1: BP4, BP7, BS1

GeneDx
Classification: Benign. Last evaluated: 2018-10-19. Review status: criteria provided, single submitter. Criteria: GeneDx Variant Classification Process June 2021. Collection method: clinical testing. Allele origin: germline. Affected: yes.

Athena Diagnostics
Classification: Benign. Last evaluated: 2018-05-01. Review status: criteria provided, single submitter. Criteria: Athena Diagnostics Criteria. Collection method: clinical testing. Allele origin: germline.

Ambry Genetics
Classification: Likely benign for Inborn genetic diseases. Last evaluated: 2016-06-06. Review status: criteria provided, single submitter. Criteria: Ambry Variant Classification Scheme 2023. Collection method: clinical testing. Allele origin: germline.

Breakthrough Genomics
Classification: Likely benign. Review status: criteria provided, single submitter. Criteria: ACMG Guidelines, 2015. Collection method: not provided. Allele origin: germline. Inheritance: Autosomal dominant inheritance. Affected: yes.

PreventionGenetics, part of Exact Sciences
Classification: Benign for KCNC1-related condition. Last evaluated: 2021-09-30. Review status: no assertion criteria provided. Collection method: clinical testing. Allele origin: germline. Not counted in ClinVar's aggregate classification.
Comment: This variant is classified as benign based on ACMG/AMP sequence variant interpretation guidelines (Richards et al. 2015 PMID: 25741868, with internal and published modifications).

NM_001112741.2(KCNC1):c.1236C>T (p.Ser412=)

Gene: KCNC1 (potassium voltage-gated channel subfamily C member 1; plus strand). Cytogenetic location: 11p15.1.
Variant type: single nucleotide variant.
Coding change: c.1236C>T on transcript NM_001112741.2 (MANE Select); coding-DNA position 1236, C replaced by T.
Protein change: p.Ser412=; no amino-acid change (serine 412 retained).
Molecular consequence: synonymous variant.
Genome position (GRCh38, 1-based): chr11:17,772,330, C>T. VCF-style: chr11-17772330-C-T. GRCh37 (hg19) VCF-style: chr11-17793877-C-T.
Other names: c.1236C>T, p.Ser412= (NM_004976.4).
Identifiers: ClinVar variation 475347 (VCV000475347.45), dbSNP rs73424033, ClinGen allele CA5906787.